The following is an entry in ClinVar:

NM_015662.3(IFT172):c.4429-6C>G

Gene: IFT172 (intraflagellar transport 172; minus strand). Cytogenetic location: 2p23.3.
Variant type: single nucleotide variant.
Coding change: c.4429-6C>G on transcript NM_015662.3 (MANE Select); 6 bases into the intron before coding-DNA position 4429, C replaced by G.
Molecular consequence: intron variant.
Genome position (GRCh38, 1-based): chr2:27,447,928, G>C on the plus strand (C>G on the coding strand, the complement: IFT172 is on the minus strand). VCF-style: chr2-27447928-G-C. GRCh37 (hg19) VCF-style: chr2-27670795-G-C.
Other names: c.4363-6C>G (NM_001410739.1).
Identifiers: ClinVar variation 4996683 (VCV004996683.1).
Genomic context (GRCh38, chr2:27,447,928, plus strand): 5'-TGGTTCCAGGAGAGCTCACCATGTCAGTGAAGATCCTTTTGTAGATATTGAAGTTCTAGA[G>C]GTAGAGGGAAGAAGGGGATCTGAGAAGGGCATAGCTAGAAGAGAAAGTCACTGGAAGTGG-3'

ClinVar aggregate classification (germline): Uncertain significance (1 of 4 stars; one submission).

Conditions:
IFT172-related disorder. Also called: IFT172-related disorders; IFT172-related condition.

Submission:

PreventionGenetics, part of Exact Sciences
Classification: Uncertain significance for IFT172-related condition. Last evaluated: 2025-09-09. Review status: criteria provided, single submitter. Criteria: ACMG Guidelines, 2015. Collection method: clinical testing. Allele origin: germline.
Comment: The IFT172 c.4429-6C>G variant is predicted to interfere with splicing. To our knowledge, this variant has not been reported in the literature or in a large population database (gnomAD), indicating this variant is rare. At this time, the clinical significance of this variant is uncertain due to the absence of conclusive functional and genetic evidence.